The following is an entry in ClinVar:

NM_003143.3(SSBP1):c.227-3T>A

Gene: SSBP1 (single stranded DNA binding protein 1; plus strand). Cytogenetic location: 7q34.
Variant type: single nucleotide variant.
Coding change: c.227-3T>A on transcript NM_003143.3 (MANE Select); 3 bases into the intron before coding-DNA position 227, T replaced by A.
Molecular consequence: intron variant.
Genome position (GRCh38, 1-based): chr7:141,743,899, T>A. VCF-style: chr7-141743899-T-A. GRCh37 (hg19) VCF-style: chr7-141443699-T-A.
Other names: c.227-3T>A (NM_001256511.1, NM_001256512.1, NM_001256513.1 and 1 more transcripts).
Identifiers: ClinVar variation 4885003 (VCV004885003.2).

ClinVar aggregate classification (germline): Uncertain significance (1 of 4 stars; one submission).

gnomAD v4.1: 4 of 1,607,182 alleles (0.00025%); highest among the groups gnomAD compares: Non-Finnish European, 0.00034%; no homozygotes.

Submission:

Dasa
Classification: Uncertain significance. Last evaluated: 2024-06-06. Review status: criteria provided, single submitter. Criteria: DASA Assertion Criteria. Collection method: clinical testing. Allele origin: germline.
Comment: NM_003143.3(SSBP1):c.227-3T>A is a splice-region variant. This variant is rare in population databases. Computational prediction algorithms are consistent with a benign effect. The currently available literature and clinical evidence are not sufficient to establish a definitive association between this variant and the reported condition. Therefore, this variant is classified as a variant of uncertain significance.